The following is an entry in ClinVar:

ClinVar aggregate classification (germline): Uncertain significance. Review status: criteria provided, multiple submitters, no conflicts (2 of 4 stars). 2 submissions from 2 submitters: Uncertain significance (2). Last evaluated 2025-10-02.

Conditions:
Inborn genetic diseases. Identifiers: MedGen C0950123, MeSH D030342.

gnomAD v4.1: 1 of 1,612,328 alleles (0.000062%); highest among the groups gnomAD compares: African/African-American, 0.0013%; no homozygotes.

Submissions (2):

Ambry Genetics
Classification: Uncertain significance for Inborn genetic diseases. Last evaluated: 2025-10-02. Review status: criteria provided, single submitter. Criteria: Ambry Variant Classification Scheme 2023. Collection method: clinical testing. Allele origin: germline.

Labcorp Genetics (formerly Invitae), Labcorp
Classification: Uncertain significance. Last evaluated: 2024-09-18. Review status: criteria provided, single submitter. Criteria: Invitae Variant Classification Sherloc (09022015). Collection method: clinical testing. Allele origin: germline.
Comment: This sequence change replaces arginine, which is basic and polar, with cysteine, which is neutral and slightly polar, at codon 20 of the RBP4 protein (p.Arg20Cys). This variant is not present in population databases (gnomAD no frequency). This variant has not been reported in the literature in individuals affected with RBP4-related conditions. An algorithm developed to predict the effect of missense changes on protein structure and function (PolyPhen-2) suggests that this variant is likely to be tolerated. In summary, the available evidence is currently insufficient to determine the role of this variant in disease. Therefore, it has been classified as a Variant of Uncertain Significance.

NM_006744.4(RBP4):c.58C>T (p.Arg20Cys)

Gene: RBP4 (retinol binding protein 4; minus strand). Cytogenetic location: 10q23.33.
Variant type: single nucleotide variant.
Coding change: c.58C>T on transcript NM_006744.4 (MANE Select); coding-DNA position 58, C replaced by T.
Protein change: p.Arg20Cys; replaces arginine 20 with cysteine.
Molecular consequence: missense variant.
Genome position (GRCh38, 1-based): chr10:93,600,971, G>A on the plus strand (C>T on the coding strand, the complement: RBP4 is on the minus strand). VCF-style: chr10-93600971-G-A. GRCh37 (hg19) VCF-style: chr10-95360728-G-A.
Other names: c.58C>T (NM_006744.3); c.58C>T, p.Arg20Cys (NM_001323517.1); c.52C>T, p.Arg18Cys (NM_001323518.2); short protein forms R20C, R18C.
Identifiers: ClinVar variation 3670854 (VCV003670854.3).